The following is an entry in ClinVar:

ClinVar aggregate classification (germline): Benign/Likely benign. Review status: criteria provided, multiple submitters, no conflicts (2 of 4 stars). 5 submissions from 5 submitters: Benign (1); Likely benign (4). Last evaluated 2025-09-02.

Allele frequency attached by ClinVar (database versions not stated): ExAC 0.00009; gnomAD 0.00016 and 0.00017; TOPMed 0.00027; gnomAD exomes 0.00028.
gnomAD v4.1: 500 of 1,532,044 alleles (0.033%); highest among the groups gnomAD compares: Middle Eastern, 0.3%; no homozygotes.

Submissions (5):

Labcorp Genetics (formerly Invitae), Labcorp
Classification: Likely benign. Last evaluated: 2025-09-02. Review status: criteria provided, single submitter. Criteria: Invitae Variant Classification Sherloc (09022015). Collection method: clinical testing. Allele origin: germline.

Women's Health and Genetics/Laboratory Corporation of America, LabCorp
Classification: Benign. Last evaluated: 2024-10-06. Review status: criteria provided, single submitter. Criteria: LabCorp Variant Classification Summary - May 2015. Collection method: clinical testing. Allele origin: germline.

CeGaT Center for Human Genetics Tuebingen
Classification: Likely benign. Last evaluated: 2024-09-01. Review status: criteria provided, single submitter. Criteria: CeGaT Center For Human Genetics Tuebingen Variant Classification Criteria Version 2. Collection method: clinical testing. Allele origin: germline. Affected: yes. Observed: 1 variant allele.
Comment: GDF1: BP4, BP7

Blueprint Genetics
Classification: Likely benign. Last evaluated: 2024-07-16. Review status: criteria provided, single submitter. Criteria: ACMG Guidelines, 2015. Collection method: clinical testing. Allele origin: germline.

Breakthrough Genomics
Classification: Likely benign. Review status: criteria provided, single submitter. Criteria: ACMG Guidelines, 2015. Collection method: not provided. Allele origin: germline. Inheritance: Autosomal recessive inheritance. Affected: yes.

NM_001492.6(GDF1):c.357G>A (p.Ser119=)

Genes: CERS1 (ceramide synthase 1; minus strand), GDF1 (growth differentiation factor 1; minus strand). Cytogenetic location: 19p13.11.
Variant type: single nucleotide variant.
Coding change: c.357G>A on transcript NM_001492.6 (MANE Select); coding-DNA position 357, G replaced by A.
Protein change: p.Ser119=; no amino-acid change (serine 119 retained).
Molecular consequence: synonymous variant. On other transcripts: 3 prime UTR variant (2).
Genome position (GRCh38, 1-based): chr19:18,869,359, C>T on the plus strand (G>A on the coding strand, the complement: GDF1 is on the minus strand). VCF-style: chr19-18869359-C-T. GRCh37 (hg19) VCF-style: chr19-18980168-C-T.
Other names: c.*1218G>A (NM_001387440.1); c.*626G>A (NM_021267.5); c.357G>A, p.Ser119= (NM_001387438.1).
Identifiers: ClinVar variation 695263 (VCV000695263.28), dbSNP rs758878687, ClinGen allele CA9317945.